The following is an entry in ClinVar:

ClinVar aggregate classification (germline): Benign. Review status: criteria provided, multiple submitters, no conflicts (2 of 4 stars). 4 submissions from 4 submitters: Benign (4). Last evaluated 2026-02-04.

Allele frequency attached by ClinVar (database versions not stated): 1000 Genomes Project 30x 0.01156; TOPMed 0.02444; ESP Exome Variant Server 0.03116; 1000 Genomes Project 0.01198; gnomAD 0.02628 and 0.02692; ExAC 0.02895; gnomAD exomes 0.02834 and 0.03731.
gnomAD v4.1: 58,295 of 1,613,906 alleles (3.6%); highest among the groups gnomAD compares: Non-Finnish European, 4.2%; 1,269 homozygotes.

Submissions (4):

Labcorp Genetics (formerly Invitae), Labcorp
Classification: Benign. Last evaluated: 2026-02-04. Review status: criteria provided, single submitter. Criteria: Invitae Variant Classification Sherloc (09022015). Collection method: clinical testing. Allele origin: germline.

Mayo Clinic Laboratories, Mayo Clinic
Classification: Benign. Last evaluated: 2023-12-01. Review status: criteria provided, single submitter. Criteria: ACMG Guidelines, 2015. Collection method: clinical testing. Allele origin: germline. Observed: 32 variant alleles.
Comment: BS1, BS2, BP4, BP7

GeneDx
Classification: Benign. Last evaluated: 2018-07-05. Review status: criteria provided, single submitter. Criteria: GeneDx Variant Classification Process June 2021. Collection method: clinical testing. Allele origin: germline. Affected: yes.

Breakthrough Genomics
Classification: Benign. Review status: criteria provided, single submitter. Criteria: ACMG Guidelines, 2015. Collection method: not provided. Allele origin: germline. Inheritance: Autosomal recessive inheritance. Affected: yes.

NM_001098671.2(RASGRP2):c.522+8C>T

Gene: RASGRP2 (RAS guanyl releasing protein 2; minus strand). Cytogenetic location: 11q13.1.
Variant type: single nucleotide variant.
Coding change: c.522+8C>T on transcript NM_001098671.2 (MANE Select); 8 bases into the intron after coding-DNA position 522, C replaced by T.
Molecular consequence: intron variant.
Genome position (GRCh38, 1-based): chr11:64,740,005, G>A on the plus strand (C>T on the coding strand, the complement: RASGRP2 is on the minus strand). VCF-style: chr11-64740005-G-A. GRCh37 (hg19) VCF-style: chr11-64507477-G-A.
Other names: p.?; c.522+8C>T (NM_153819.1, NM_153819.2, NM_001440690.1 and 13 more transcripts); c.609+8C>T (NM_001440705.1, NM_001440703.1, NM_001440704.1); c.87+8C>T (NM_001318398.2).
Identifiers: ClinVar variation 1253472 (VCV001253472.9), dbSNP rs681791, ClinGen allele CA6079209.
Genomic context (GRCh38, chr11:64,740,005, plus strand): 5'-CCCTGCCCCTCCTAGAACTCTCTTCCAGCCCACATTGGACCCCTGACCCCCCAGCCCTCG[G>A]GCCGCACCAGGATCTTGCAGAAGGAGCGATACTCCAAGTAGGTGAGATGCTCCGCCAGCT-3'